The following is an entry in ClinVar:

NM_001291867.2(NHS):c.844T>G (p.Phe282Val)

Gene: NHS (NHS actin remodeling regulator; plus strand). Cytogenetic location: Xp22.13.
Variant type: single nucleotide variant.
Coding change: c.844T>G on transcript NM_001291867.2 (MANE Select); coding-DNA position 844, T replaced by G.
Protein change: p.Phe282Val; replaces phenylalanine 282 with valine.
Molecular consequence: missense variant.
Genome position (GRCh38, 1-based): chrX:17,692,460, T>G. VCF-style: chrX-17692460-T-G. GRCh37 (hg19) VCF-style: chrX-17710580-T-G.
Other names: c.313T>G, p.Phe105Val (NM_001136024.4, NM_001291868.2); c.844T>G, p.Phe282Val (NM_198270.4); short protein forms F105V, F282V.
Identifiers: ClinVar variation 2876334 (VCV002876334.3), dbSNP rs2519884491, ClinGen allele CA412327558.

ClinVar aggregate classification (germline): Uncertain significance (1 of 4 stars; one submission).

Conditions:
Nance-Horan syndrome (NHS). Identifiers: Orphanet 627, MedGen C0796085, MONDO:0010545, OMIM 302350.

Submission:

Labcorp Genetics (formerly Invitae), Labcorp
Classification: Uncertain significance for Nance-Horan syndrome. Last evaluated: 2023-10-23. Review status: criteria provided, single submitter. Criteria: Invitae Variant Classification Sherloc (09022015). Collection method: clinical testing. Allele origin: germline.
Comment: This sequence change replaces phenylalanine, which is neutral and non-polar, with valine, which is neutral and non-polar, at codon 282 of the NHS protein (p.Phe282Val). This variant is not present in population databases (gnomAD no frequency). This variant has not been reported in the literature in individuals affected with NHS-related conditions. An algorithm developed to predict the effect of missense changes on protein structure and function (PolyPhen-2) suggests that this variant is likely to be tolerated. In summary, the available evidence is currently insufficient to determine the role of this variant in disease. Therefore, it has been classified as a Variant of Uncertain Significance.